The following is an entry in ClinVar:

NM_002439.5(MSH3):c.674C>A (p.Ser225Tyr)

Gene: MSH3 (mutS homolog 3; plus strand). Cytogenetic location: 5q14.1.
Variant type: single nucleotide variant.
Coding change: c.674C>A on transcript NM_002439.5 (MANE Select); coding-DNA position 674, C replaced by A.
Protein change: p.Ser225Tyr; replaces serine 225 with tyrosine.
Molecular consequence: missense variant.
Genome position (GRCh38, 1-based): chr5:80,670,191, C>A. VCF-style: chr5-80670191-C-A. GRCh37 (hg19) VCF-style: chr5-79966010-C-A.
Other names: short protein forms S225Y.
Identifiers: ClinVar variation 1515084 (VCV001515084.9), dbSNP rs1428253473, ClinGen allele CA360266716.

ClinVar aggregate classification (germline): Uncertain significance. Review status: criteria provided, multiple submitters, no conflicts (2 of 4 stars). 2 submissions from 2 submitters: Uncertain significance (2). Last evaluated 2024-02-20.

Conditions:
Endometrial carcinoma. Also called: Endometrial carcinoma, somatic. Identifiers: MedGen C0476089, MONDO:0002447, OMIM 608089, HP:0012114.

Allele frequency attached by ClinVar (database versions not stated): gnomAD exomes below 0.00001.
gnomAD v4.1: 1 of 1,614,050 alleles (0.000062%); highest among the groups gnomAD compares: African/African-American, 0.0013%; no homozygotes.

Submissions (2):

Baylor Genetics
Classification: Uncertain significance for Endometrial carcinoma. Last evaluated: 2024-02-20. Review status: criteria provided, single submitter. Criteria: ACMG Guidelines, 2015. Collection method: clinical testing. Allele origin: unknown.

Labcorp Genetics (formerly Invitae), Labcorp
Classification: Uncertain significance. Last evaluated: 2021-03-08. Review status: criteria provided, single submitter. Criteria: Invitae Variant Classification Sherloc (09022015). Collection method: clinical testing. Allele origin: germline.
Comment: This variant is not present in population databases (ExAC no frequency). In summary, the available evidence is currently insufficient to determine the role of this variant in disease. Therefore, it has been classified as a Variant of Uncertain Significance. Algorithms developed to predict the effect of missense changes on protein structure and function are either unavailable or do not agree on the potential impact of this missense change (SIFT: "Deleterious"; PolyPhen-2: "Benign"; Align-GVGD: "Class C0"). This variant has not been reported in the literature in individuals with MSH3-related conditions. This sequence change replaces serine with tyrosine at codon 225 of the MSH3 protein (p.Ser225Tyr). The serine residue is moderately conserved and there is a large physicochemical difference between serine and tyrosine.